The following is an entry in ClinVar:

ClinVar aggregate classification (germline): Uncertain significance (1 of 4 stars; one submission).

Submission:

Labcorp Genetics (formerly Invitae), Labcorp
Classification: Uncertain significance. Last evaluated: 2025-12-21. Review status: criteria provided, single submitter. Criteria: Invitae Variant Classification Sherloc (09022015). Collection method: clinical testing. Allele origin: germline.
Comment: This sequence change replaces proline, which is neutral and non-polar, with arginine, which is basic and polar, at codon 68 of the COL9A2 protein (p.Pro68Arg). This variant is not present in population databases (gnomAD no frequency). This variant has not been reported in the literature in individuals affected with COL9A2-related conditions. Invitae Evidence Modeling of protein sequence and biophysical properties (such as structural, functional, and spatial information, amino acid conservation, physicochemical variation, residue mobility, and thermodynamic stability) indicates that this missense variant is not expected to disrupt COL9A2 protein function with a negative predictive value of 95%. In summary, the available evidence is currently insufficient to determine the role of this variant in disease. Therefore, it has been classified as a Variant of Uncertain Significance.

NM_001852.4(COL9A2):c.203C>G (p.Pro68Arg)

Gene: COL9A2 (collagen type IX alpha 2 chain; minus strand). Cytogenetic location: 1p34.2.
Variant type: single nucleotide variant.
Coding change: c.203C>G on transcript NM_001852.4 (MANE Select); coding-DNA position 203, C replaced by G.
Protein change: p.Pro68Arg; replaces proline 68 with arginine.
Molecular consequence: missense variant.
Genome position (GRCh38, 1-based): chr1:40,314,251, G>C on the plus strand (C>G on the coding strand, the complement: COL9A2 is on the minus strand). VCF-style: chr1-40314251-G-C. GRCh37 (hg19) VCF-style: chr1-40779923-G-C.
Other names: short protein forms P68R.
Identifiers: ClinVar variation 4799887 (VCV004799887.1).